The following is an entry in ClinVar:

NM_031372.4(HNRNPDL):c.1132G>A (p.Asp378Asn)

Gene: HNRNPDL (heterogeneous nuclear ribonucleoprotein D like; minus strand). Cytogenetic location: 4q21.22.
Variant type: single nucleotide variant.
Coding change: c.1132G>A on transcript NM_031372.4 (MANE Select); coding-DNA position 1132, G replaced by A.
Protein change: p.Asp378Asn; replaces aspartic acid 378 with asparagine.
Molecular consequence: missense variant. On other transcripts: non-coding transcript variant (1), intron variant (1).
Genome position (GRCh38, 1-based): chr4:82,426,523, C>T on the plus strand (G>A on the coding strand, the complement: HNRNPDL is on the minus strand). VCF-style: chr4-82426523-C-T. GRCh37 (hg19) VCF-style: chr4-83347676-C-T.
Other names: c.1022-394G>A (NM_001207000.1); short protein forms D378N.
Identifiers: ClinVar variation 144073 (VCV000144073.13), dbSNP rs587777669, ClinGen allele CA170633.

ClinVar aggregate classification (germline): Pathogenic/Likely pathogenic. Review status: criteria provided, multiple submitters, no conflicts (2 of 4 stars). 3 submissions from 3 submitters: Pathogenic (1); Likely pathogenic (1). 1 of the submissions does not count toward it. Last evaluated 2026-01-19.

Conditions:
Autosomal dominant limb-girdle muscular dystrophy type 1G (LGMDD3). Also called: MUSCULAR DYSTROPHY, LIMB-GIRDLE, AUTOSOMAL DOMINANT 3; Limb-girdle muscular dystrophy, type 1G. Identifiers: Orphanet 55596, MedGen C1836765, MONDO:0012193, OMIM 609115.

Submissions (3):

Labcorp Genetics (formerly Invitae), Labcorp
Classification: Pathogenic for Autosomal dominant limb-girdle muscular dystrophy type 1G. Last evaluated: 2026-01-19. Review status: criteria provided, single submitter. Criteria: Invitae Variant Classification Sherloc (09022015). Collection method: clinical testing. Allele origin: germline.
Comment: This sequence change replaces aspartic acid, which is acidic and polar, with asparagine, which is neutral and polar, at codon 378 of the HNRNPDL protein (p.Asp378Asn). This variant is not present in population databases (gnomAD no frequency). This missense change has been observed in individual(s) with autosomal dominant limb-girdle muscular dystrophy (PMID: 24647604, 30604053). It has also been observed to segregate with disease in related individuals. ClinVar contains an entry for this variant (Variation ID: 144073). An algorithm developed to predict the effect of missense changes on protein structure and function (PolyPhen-2) suggests that this variant is likely to be tolerated. This variant disrupts the p.Asp378 amino acid residue in HNRNPDL. Other variant(s) that disrupt this residue have been determined to be pathogenic (PMID: 24647604; internal data). This suggests that this residue is clinically significant, and that variants that disrupt this residue are likely to be disease-causing. For these reasons, this variant has been classified as Pathogenic.

Revvity Omics, Revvity
Classification: Likely pathogenic for Autosomal dominant limb-girdle muscular dystrophy type 1G. Last evaluated: 2024-02-02. Review status: criteria provided, single submitter. Criteria: ACMG Guidelines, 2015. Collection method: clinical testing. Allele origin: germline.

OMIM
Classification: Pathogenic for MUSCULAR DYSTROPHY, LIMB-GIRDLE, AUTOSOMAL DOMINANT 3. Last evaluated: 2014-08-01. Review status: no assertion criteria provided. Collection method: literature only. Allele origin: germline. Not counted in ClinVar's aggregate classification.

Literature cited by the submitters: PubMed 24647604 (cited by Labcorp Genetics (formerly Invitae), Labcorp and OMIM); PubMed 30604053 (cited by Labcorp Genetics (formerly Invitae), Labcorp); PubMed 15367920 (cited by OMIM).